The following is an entry in ClinVar:

ClinVar aggregate classification (germline): Conflicting classifications of pathogenicity. Review status: criteria provided, conflicting classifications (1 of 4 stars). 4 submissions from 4 submitters: Pathogenic (2); Likely pathogenic (1); Uncertain significance (1). Last evaluated 2025-08-02.

Conditions:
TULP1-related disorder. Also called: TULP1-related condition; TULP1-related disorders.
Leber congenital amaurosis 15 (LCA15). Identifiers: Orphanet 65, MedGen C3151206, MONDO:0013457, OMIM 613843.

Allele frequency attached by ClinVar (database versions not stated): ExAC 0.00001; gnomAD 0.00001; gnomAD exomes 0.00002; TOPMed 0.00003.
gnomAD v4.1: 22 of 1,614,034 alleles (0.0014%); highest among the groups gnomAD compares: Admixed American, 0.0017%; no homozygotes.

Submissions (4):

PreventionGenetics, part of Exact Sciences
Classification: Likely pathogenic for TULP1-related condition. Last evaluated: 2025-08-02. Review status: criteria provided, single submitter. Criteria: ACMG Guidelines, 2015. Collection method: clinical testing. Allele origin: germline.
Comment: The TULP1 c.1025G>A variant is predicted to result in the amino acid substitution p.Arg342Gln. This variant was reported, in the homozygous state or in the heterozygous state along with a second possible causative variant in the same gene, in individuals with retinitis pigmentosa (Hebrard et al. 2011. PubMed ID: 21792230; supplementary data, Zampaglione et al. 2020. PubMed ID: 32037395; supplementary data, Weisschuh et al. 2020. PubMed ID: 32531858; supplementary data, Tracewska et al. 2021. PubMed ID: 34321860; Bodenbender et al. 2023. PubMed ID: 36769033; supplementary data, Panneman et al. 2023. PubMed ID: 36819107; Internal Data). This variant is reported in 0.0044% of alleles in individuals of European (Non-Finnish) descent in gnomAD. This variant is interpreted as likely pathogenic.

Labcorp Genetics (formerly Invitae), Labcorp
Classification: Pathogenic. Last evaluated: 2025-04-27. Review status: criteria provided, single submitter. Criteria: Invitae Variant Classification Sherloc (09022015). Collection method: clinical testing. Allele origin: germline.
Comment: This sequence change replaces arginine, which is basic and polar, with glutamine, which is neutral and polar, at codon 342 of the TULP1 protein (p.Arg342Gln). This variant is present in population databases (rs756856544, gnomAD 0.004%). This missense change has been observed in individual(s) with clinical features of retinitis pigmentosa (PMID: 21792230, 32037395; internal data). In at least one individual the data is consistent with being in trans (on the opposite chromosome) from a pathogenic variant. It has also been observed to segregate with disease in related individuals. ClinVar contains an entry for this variant (Variation ID: 930508). Invitae Evidence Modeling of protein sequence and biophysical properties (such as structural, functional, and spatial information, amino acid conservation, physicochemical variation, residue mobility, and thermodynamic stability) indicates that this missense variant is expected to disrupt TULP1 protein function with a positive predictive value of 95%. For these reasons, this variant has been classified as Pathogenic.

Blueprint Genetics
Classification: Pathogenic for TULP1-related disorders. Last evaluated: 2024-10-15. Review status: criteria provided, single submitter. Criteria: ACMG Guidelines, 2015. Collection method: clinical testing. Allele origin: germline. Affected: yes. Observed: 5 variant alleles.

Centre for Mendelian Genomics, University Medical Centre Ljubljana
Classification: Uncertain significance for Leber congenital amaurosis 15. Last evaluated: 2019-06-01. Review status: criteria provided, single submitter. Criteria: ACMG Guidelines, 2015. Collection method: clinical testing. Allele origin: unknown. Affected: yes.
Comment: This variant was classified as: Uncertain significance. The available evidence favors the pathogenic nature of this variant, however the currently available data is insufficient to conclusively support its pathogenic nature. Thus this variant is classified as Uncertain significance - favor pathogenic. The following ACMG criteria were applied in classifying this variant: PM2,PP3.

Literature cited by the submitters: PubMed 21792230 (cited by Labcorp Genetics (formerly Invitae), Labcorp); PubMed 32037395 (cited by Labcorp Genetics (formerly Invitae), Labcorp).

NM_003322.6(TULP1):c.1025G>A (p.Arg342Gln)

Gene: TULP1 (TUB like protein 1; minus strand). Cytogenetic location: 6p21.31.
Variant type: single nucleotide variant.
Coding change: c.1025G>A on transcript NM_003322.6 (MANE Select); coding-DNA position 1025, G replaced by A.
Protein change: p.Arg342Gln; replaces arginine 342 with glutamine.
Molecular consequence: missense variant.
Genome position (GRCh38, 1-based): chr6:35,505,828, C>T on the plus strand (G>A on the coding strand, the complement: TULP1 is on the minus strand). VCF-style: chr6-35505828-C-T. GRCh37 (hg19) VCF-style: chr6-35473605-C-T.
Other names: c.866G>A, p.Arg289Gln (NM_001289395.2); c.1025G>A (NM_003322.5); short protein forms R289Q, R342Q.
Identifiers: ClinVar variation 930508 (VCV000930508.13), dbSNP rs756856544, ClinGen allele CA3772704.
Genomic context (GRCh38, chr6:35,505,828, plus strand): 5'-CCTCGGGACAGATTGGTAGGGTCGATGGAGATGAGGTAATTGGCTGTCTTGCTCCGTTTT[C>T]GTTTCCTGCCAGCCAAGAGGAACACCTGGGGAAAAGGGGAGACAGGTGAGAGGATGGGAA-3'
Protein context (NP_003313.3, residues 332-352): KKVFLLAGRK[Arg342Gln]KRSKTANYLI